The following is an entry in ClinVar:

ClinVar aggregate classification (germline): Uncertain significance (1 of 4 stars; one submission).

Submission:

Labcorp Genetics (formerly Invitae), Labcorp
Classification: Uncertain significance. Last evaluated: 2025-10-07. Review status: criteria provided, single submitter. Criteria: Invitae Variant Classification Sherloc (09022015). Collection method: clinical testing. Allele origin: germline.
Comment: This sequence change inserts a large fragment of DNA, likely a transposable element, in exon 2 of the HIKESHI gene (c.254_255ins?), causing a frameshift at codon 86 (p.Gly86fs). The exact size and sequence of the insertion cannot be determined by the current assay. However, the insertion is expected to result in an absent or disrupted protein product. This variant is not present in population databases (gnomAD no frequency). This variant has not been reported in the literature in individuals affected with HIKESHI-related conditions. Retrotransposon insertions including LINE1 (L1), Alu, and SVA (SINE-VNTR-Alu) have been reported to disrupt protein function (PMID: 19763152, 20307669, 22406018). However the effect of this particular variant is unknown. In summary, the available evidence is currently insufficient to determine the role of this variant in disease. Therefore, it has been classified as a Variant of Uncertain Significance.

Literature cited by the submitters: PubMed 19763152; PubMed 20307669; PubMed 22406018.

NM_016401.4(HIKESHI):c.254_255insTTTTTTTTTTTTTTTTTTTTNNNNNNNNNNGACCTCGTGATCCGCCCGCCTCGGCCTCCCAAAGTGCTGGGATTACAGGCGTGAGCCACCGCGCCCGGCCGATCTTCAAAATTTC (p.Ser85_Gly86insPhePhePhePhePhePheXaaXaaXaaXaaThrSerTer)

Gene: HIKESHI (heat shock protein nuclear import factor hikeshi; plus strand). Cytogenetic location: 11q14.2.
Variant type: Insertion.
Coding change: c.254_255insTTTTTTTTTTTTTTTTTTTTNNNNNNNNNNGACCTCGTGATCCGCCCGCCTCGGCCTCCCAAAGTGCTGGGATTACAGGCGTGAGCCACCGCGCCCGGCCGATCTTCAAAATTTC on transcript NM_016401.4 (MANE Select); coding-DNA positions 254 to 255, TTTTTTTTTTTTTTTTTTTTNNNNNNNNNNGACCTCGTGATCCGCCCGCCTCGGCCTCCCAAAGTGCTGGGATTACAGGCGTGAGCCACCGCGCCCGGCCGATCTTCAAAATTTC inserted.
Protein change: p.Ser85_Gly86insPhePhePhePhePhePheXaaXaaXaaXaaThrSerTer.
Molecular consequence: nonsense, inframe insertion. On other transcripts: non-coding transcript variant (1).
Genome position: GRCh38: chr11:86,306,468-86,306,469. GRCh37 (hg19): chr11:86,017,510-86,017,511.
Other names: c.254_255insTTTTTTTTTTTTTTTTTTTTNNNNNNNNNNGACCTCGTGATCCGCCCGCCTCGGCCTCCCAAAGTGCTGGGATTACAGGCGTGAGCCACCGCGCCCGGCCGATCTTCAAAATTTC, p.Ser85_Gly86insPhePhePhePhePhePheXaaXaaXaaXaaThrSerTer (NM_001322404.2); c.137_138insTTTTTTTTTTTTTTTTTTTTNNNNNNNNNNGACCTCGTGATCCGCCCGCCTCGGCCTCCCAAAGTGCTGGGATTACAGGCGTGAGCCACCGCGCCCGGCCGATCTTCAAAATTTC, p.Ser46_Gly47insPhePhePhePhePhePheXaaXaaXaaXaaThrSerTer (NM_001322407.2, NM_001322409.2).
Identifiers: ClinVar variation 4728634 (VCV004728634.1).